The following is an entry in ClinVar:

NM_006922.4(SCN3A):c.595G>A (p.Val199Met)

Gene: SCN3A (sodium voltage-gated channel alpha subunit 3; minus strand). Cytogenetic location: 2q24.3.
Variant type: single nucleotide variant.
Coding change: c.595G>A on transcript NM_006922.4 (MANE Select); coding-DNA position 595, G replaced by A.
Protein change: p.Val199Met; replaces valine 199 with methionine.
Molecular consequence: missense variant.
Genome position (GRCh38, 1-based): chr2:165,164,399, C>T on the plus strand (G>A on the coding strand, the complement: SCN3A is on the minus strand). VCF-style: chr2-165164399-C-T. GRCh37 (hg19) VCF-style: chr2-166020909-C-T.
Other names: c.595G>A, p.Val199Met (NM_001081676.2, NM_001081677.2); short protein forms V199M.
Identifiers: ClinVar variation 1803147 (VCV001803147.1), dbSNP rs2468492308, ClinGen allele CA349239888.

ClinVar aggregate classification (germline): Uncertain significance (1 of 4 stars; one submission).

Conditions:
Epilepsy, familial focal, with variable foci 4 (FFEVF4). Identifiers: MedGen C4693694, MONDO:0054776, OMIM 617935.

Submission:

Genetics and Molecular Pathology, SA Pathology
Classification: Uncertain significance for Epilepsy, familial focal, with variable foci 4. Last evaluated: 2021-05-21. Review status: criteria provided, single submitter. Criteria: ACMG Guidelines, 2015. Collection method: clinical testing. Allele origin: germline. Inheritance: Autosomal dominant inheritance. Affected: yes.
Comment: Absent from database but no other supportive evidence